The following is an entry in ClinVar:

NM_001099274.3(TINF2):c.-260G>C

Genes: TINF2 (TERF1 interacting nuclear factor 2; minus strand), LOC130055404 (ATAC-STARR-seq lymphoblastoid active region 8200; plus strand). Cytogenetic location: 14q12.
Variant type: single nucleotide variant.
Coding change: c.-260G>C on transcript NM_001099274.3 (MANE Select); 260 bases upstream of the start codon, G replaced by C.
Molecular consequence: 5 prime UTR variant.
Genome position (GRCh38, 1-based): chr14:24,242,592, C>G on the plus strand (G>C on the coding strand, the complement: TINF2 is on the minus strand). VCF-style: chr14-24242592-C-G. GRCh37 (hg19) VCF-style: chr14-24711798-C-G.
Other names: c.-260G>C (NM_001363668.2, NM_012461.3).
Identifiers: ClinVar variation 312965 (VCV000312965.7), dbSNP rs28372734, ClinGen allele CA10645122.

ClinVar aggregate classification (germline): Benign/Likely benign. Review status: criteria provided, multiple submitters, no conflicts (2 of 4 stars). 3 submissions from 2 submitters: Benign (2); Likely benign (1). Last evaluated 2019-01-22.

Conditions:
Dyskeratosis congenita, autosomal dominant 3. Identifiers: MedGen C3151445, MONDO:0013522, OMIM 613990.
Revesz syndrome. Also called: EXUDATIVE RETINOPATHY WITH BONE MARROW FAILURE; DYSKERATOSIS CONGENITA, AUTOSOMAL DOMINANT 5. Identifiers: Orphanet 3088, MedGen C1327916, MONDO:0009990, OMIM 268130.

Allele frequency attached by ClinVar (database versions not stated): gnomAD 0.00732 and 0.00819; TOPMed 0.01030; 1000 Genomes Project 0.02236; 1000 Genomes Project 30x 0.02264.

Submissions (3):

GeneDx
Classification: Likely benign. Last evaluated: 2019-01-22. Review status: criteria provided, single submitter. Criteria: GeneDx Variant Classification Process June 2021. Collection method: clinical testing. Allele origin: germline. Affected: yes.

Illumina Laboratory Services, Illumina
Classification: Benign for Revesz syndrome. Last evaluated: 2018-01-13. Review status: criteria provided, single submitter. Criteria: ICSL Variant Classification Criteria 13 December 2019. Collection method: clinical testing. Allele origin: germline.
Comment: This variant was observed in the ICSL laboratory as part of a predisposition screen in an ostensibly healthy population. It had not been previously curated by ICSL or reported in the Human Gene Mutation Database (HGMD: prior to June 1st, 2018), and was therefore a candidate for classification through an automated scoring system. Utilizing variant allele frequency, disease prevalence and penetrance estimates, and inheritance mode, an automated score was calculated to assess if this variant is too frequent to cause the disease. Based on the score and internal cut-off values, a variant classified as benign is not then subjected to further curation. The score for this variant resulted in a classification of benign for this disease.

Illumina Laboratory Services, Illumina
Classification: Benign for Dyskeratosis congenita, autosomal dominant 3. Last evaluated: 2018-01-13. Review status: criteria provided, single submitter. Criteria: ICSL Variant Classification Criteria 13 December 2019. Collection method: clinical testing. Allele origin: germline.
Comment: the same text as in the submission from Illumina Laboratory Services, Illumina above.